The following is an entry in ClinVar:

ClinVar aggregate classification (germline): Conflicting classifications of pathogenicity. Review status: criteria provided, conflicting classifications (1 of 4 stars). 3 submissions from 3 submitters: Likely pathogenic (1); Uncertain significance (2). Last evaluated 2024-06-25.

Conditions:
Spastic paraplegia. Identifiers: MedGen C0037772, HP:0001258.
Hereditary spastic paraplegia 10 (SPG10). Also called: SPASTIC PARAPLEGIA 10 WITH OR WITHOUT PERIPHERAL NEUROPATHY; SPASTIC PARAPLEGIA 10 WITH PERIPHERAL NEUROPATHY; SPASTIC PARAPLEGIA 10, AUTOSOMAL DOMINANT. Identifiers: Orphanet 100991, MedGen C1858712, MONDO:0011408, OMIM 604187.
Frontotemporal dementia and/or amyotrophic lateral sclerosis 4. Also called: FTDALS4. Identifiers: Orphanet 275872, MedGen C4225325, MONDO:0014641, OMIM 616439.

Submissions (3):

Labcorp Genetics (formerly Invitae), Labcorp
Classification: Uncertain significance for Spastic paraplegia. Last evaluated: 2024-06-25. Review status: criteria provided, single submitter. Criteria: Invitae Variant Classification Sherloc (09022015). Collection method: clinical testing. Allele origin: germline.
Comment: This sequence change replaces aspartic acid, which is acidic and polar, with glycine, which is neutral and non-polar, at codon 1002 of the KIF5A protein (p.Asp1002Gly). This variant is not present in population databases (gnomAD no frequency). This missense change has been observed in individual(s) with amyotrophic lateral sclerosis (PMID: 32579787). ClinVar contains an entry for this variant (Variation ID: 873195). Advanced modeling of protein sequence and biophysical properties (such as structural, functional, and spatial information, amino acid conservation, physicochemical variation, residue mobility, and thermodynamic stability) performed at Invitae indicates that this missense variant is not expected to disrupt KIF5A protein function with a negative predictive value of 95%. Algorithms developed to predict the effect of sequence changes on RNA splicing suggest that this variant may disrupt the consensus splice site. In summary, the available evidence is currently insufficient to determine the role of this variant in disease. Therefore, it has been classified as a Variant of Uncertain Significance.

3billion
Classification: Uncertain significance for Hereditary spastic paraplegia 10. Last evaluated: 2023-11-23. Review status: criteria provided, single submitter. Criteria: ACMG Guidelines, 2015. Collection method: clinical testing. Allele origin: germline. Affected: yes.
Comment: The variant is not observed in the gnomAD v2.1.1 dataset. Predicted Consequence/Location: Missense changes are a common disease-causing mechanism. In silico tools predict the variant to alter splicing and produce an abnormal transcript [SpliceAI: 0.61 (>=0.2, moderate evidence for spliceogenicity)]. Same nucleotide change resulting in same amino acid change has been previously reported to be associated with KIF5A related disorder (ClinVar ID: VCV000873195 /PMID: 32579787). However, the evidence of pathogenicity is insufficient at this time. Therefore, this variant is classified as VUS according to the recommendation of ACMG/AMP guideline.

Suna and Inan Kirac Foundation Neurodegeneration Research Laboratory, Koc University
Classification: Likely pathogenic for Frontotemporal dementia and/or amyotrophic lateral sclerosis 4. Last evaluated: 2020-03-31. Review status: criteria provided, single submitter. Criteria: ACMG Guidelines, 2015. Collection method: research. Allele origin: germline. Affected: yes. Observed: 2 variant alleles.

Literature cited by the submitters: PubMed 32579787 (cited by Labcorp Genetics (formerly Invitae), Labcorp and 3billion).

NM_004984.4(KIF5A):c.3005A>G (p.Asp1002Gly)

Gene: KIF5A (kinesin family member 5A; plus strand). Cytogenetic location: 12q13.3.
Variant type: single nucleotide variant.
Coding change: c.3005A>G on transcript NM_004984.4 (MANE Select); coding-DNA position 3005, A replaced by G.
Protein change: p.Asp1002Gly; replaces aspartic acid 1002 with glycine.
Molecular consequence: missense variant.
Genome position (GRCh38, 1-based): chr12:57,582,614, A>G. VCF-style: chr12-57582614-A-G. GRCh37 (hg19) VCF-style: chr12-57976397-A-G.
Other names: c.2738A>G, p.Asp913Gly (NM_001354705.2); short protein forms D1002G, D913G.
Identifiers: ClinVar variation 873195 (VCV000873195.6), dbSNP rs1882640177, ClinGen allele CA385517000.